The following is an entry in ClinVar:

NM_000382.3(ALDH3A2):c.1176del (p.Phe392fs)

Gene: ALDH3A2 (aldehyde dehydrogenase 3 family member A2; plus strand). Cytogenetic location: 17p11.2.
Variant type: Deletion.
Coding change: c.1176del on transcript NM_000382.3 (MANE Select); coding-DNA position 1176, one base deleted (C; older notation c.1176delC).
Protein change: p.Phe392fs; shifts the reading frame from phenylalanine 392.
Molecular consequence: frameshift variant.
Genome position (GRCh38, 1-based): chr17:19,665,016, C deleted. VCF-style (leftmost placement, unchanged base first): chr17-19665015-TC-T. GRCh37 (hg19) VCF-style: chr17-19568328-TC-T.
Other names: c.1176del, p.Phe392fs (NM_001031806.2, NM_001369136.1, NM_001369137.2 and 3 more transcripts); c.597del, p.Phe199fs (NM_001369148.2); short protein forms F199fs, F392fs.
Identifiers: ClinVar variation 1997162 (VCV001997162.4), dbSNP rs2544393343, ClinGen allele CA2580092704.

ClinVar aggregate classification (germline): Pathogenic (1 of 4 stars; one submission).

Submission:

Labcorp Genetics (formerly Invitae), Labcorp
Classification: Pathogenic. Last evaluated: 2022-05-20. Review status: criteria provided, single submitter. Criteria: Invitae Variant Classification Sherloc (09022015). Collection method: clinical testing. Allele origin: germline.
Comment: This variant has not been reported in the literature in individuals affected with ALDH3A2-related conditions. This variant is not present in population databases (gnomAD no frequency). This sequence change creates a premature translational stop signal (p.Phe392Leufs*36) in the ALDH3A2 gene. It is expected to result in an absent or disrupted protein product. Loss-of-function variants in ALDH3A2 are known to be pathogenic (PMID: 10577908, 10854114). For these reasons, this variant has been classified as Pathogenic.

Literature cited by the submitters: PubMed 10577908; PubMed 10854114.